The following is an entry in ClinVar:

ClinVar aggregate classification (germline): Uncertain significance. Review status: criteria provided, multiple submitters, no conflicts (2 of 4 stars). 2 submissions from 2 submitters: Uncertain significance (2). Last evaluated 2024-05-30.

Conditions:
Early-infantile DEE. Also called: Ohtahara syndrome; Early infantile epileptic encephalopathy with suppression bursts; Early infantile epileptic encephalopathy. Identifiers: Orphanet 1934, MedGen C0393706, MONDO:0800491.

Allele frequency attached by ClinVar (database versions not stated): gnomAD exomes below 0.00001.
gnomAD v4.1: 1 of 1,613,972 alleles (0.000062%); no homozygotes.

Submissions (2):

GeneDx
Classification: Uncertain significance. Last evaluated: 2024-05-30. Review status: criteria provided, single submitter. Criteria: GeneDx Variant Classification Process June 2021. Collection method: clinical testing. Allele origin: germline. Affected: yes.
Comment: In silico analysis supports that this missense variant has a deleterious effect on protein structure/function; This substitution is predicted to be in the cytoplasmic loop between the second and third homologous domains; Has not been previously published as pathogenic or benign to our knowledge

Labcorp Genetics (formerly Invitae), Labcorp
Classification: Uncertain significance for Early-infantile DEE. Last evaluated: 2023-04-22. Review status: criteria provided, single submitter. Criteria: Invitae Variant Classification Sherloc (09022015). Collection method: clinical testing. Allele origin: germline.
Comment: This sequence change replaces proline, which is neutral and non-polar, with serine, which is neutral and polar, at codon 1090 of the SCN8A protein (p.Pro1090Ser). This variant is not present in population databases (gnomAD no frequency). This missense change has been observed in individual(s) with clinical features of SCN8A-related conditions (Invitae). In summary, the available evidence is currently insufficient to determine the role of this variant in disease. Therefore, it has been classified as a Variant of Uncertain Significance. ClinVar contains an entry for this variant (Variation ID: 842628). Advanced modeling of protein sequence and biophysical properties (such as structural, functional, and spatial information, amino acid conservation, physicochemical variation, residue mobility, and thermodynamic stability) performed at Invitae indicates that this missense variant is not expected to disrupt SCN8A protein function.

NM_001330260.2(SCN8A):c.3268C>T (p.Pro1090Ser)

Gene: SCN8A (sodium voltage-gated channel alpha subunit 8; plus strand). Cytogenetic location: 12q13.13.
Variant type: single nucleotide variant.
Coding change: c.3268C>T on transcript NM_001330260.2 (MANE Select); coding-DNA position 3268, C replaced by T.
Protein change: p.Pro1090Ser; replaces proline 1090 with serine.
Molecular consequence: missense variant.
Genome position (GRCh38, 1-based): chr12:51,769,231, C>T. VCF-style: chr12-51769231-C-T. GRCh37 (hg19) VCF-style: chr12-52163015-C-T.
Other names: c.3268C>T, p.Pro1090Ser (NM_001177984.3, NM_001369788.1, NM_014191.4); short protein forms P1090S.
Identifiers: ClinVar variation 842628 (VCV000842628.13), dbSNP rs1565918102, ClinGen allele CA384893308.